The following is an entry in ClinVar:

NM_006363.6(SEC23B):c.1467C>G (p.His489Gln)

Gene: SEC23B (SEC23 homolog B, COPII component; plus strand). Cytogenetic location: 20p11.23.
Variant type: single nucleotide variant.
Coding change: c.1467C>G on transcript NM_006363.6 (MANE Select); coding-DNA position 1467, C replaced by G.
Protein change: p.His489Gln; replaces histidine 489 with glutamine.
Molecular consequence: missense variant.
Genome position (GRCh38, 1-based): chr20:18,542,358, C>G. VCF-style: chr20-18542358-C-G. GRCh37 (hg19) VCF-style: chr20-18523002-C-G.
Other names: c.1467C>G, p.His489Gln (NM_001172745.3, NM_032985.6, NM_032986.5); c.1413C>G, p.His471Gln (NM_001172746.3); short protein forms H489Q, H471Q.
Identifiers: ClinVar variation 95382 (VCV000095382.38), dbSNP rs2273526, ClinGen allele CA148500.

ClinVar aggregate classification (germline): Benign/Likely benign. Review status: criteria provided, multiple submitters, no conflicts (2 of 4 stars). 12 submissions from 11 submitters: Benign (10); Likely benign (2). Last evaluated 2026-06-30.

Conditions:
Congenital dyserythropoietic anemia, type II (CDAN2). Also called: DYSERYTHROPOIETIC ANEMIA, HEMPAS TYPE. Identifiers: Orphanet 98873, MedGen C1306589, MONDO:0009134, OMIM 224100.
Cowden syndrome 7 (CWS7). Identifiers: Orphanet 201, MedGen C4225179, MONDO:0014802, OMIM 616858.

Allele frequency attached by ClinVar (database versions not stated): 1000 Genomes Project 0.11542; ESP Exome Variant Server 0.11864; TOPMed 0.12882; 1000 Genomes Project 30x 0.11508; gnomAD 0.12459 and 0.12707.
gnomAD v4.1: 186,326 of 1,614,028 alleles (12%); highest among the groups gnomAD compares: Admixed American, 20%; 11,624 homozygotes.

Submissions (12):

Women's Health and Genetics/Laboratory Corporation of America, LabCorp
Classification: Likely benign. Last evaluated: 2026-06-30. Review status: criteria provided, single submitter. Criteria: LabCorp Variant Classification Summary - May 2015. Collection method: clinical testing. Allele origin: germline.

Labcorp Genetics (formerly Invitae), Labcorp
Classification: Benign for Congenital dyserythropoietic anemia, type II; Cowden syndrome 7. Last evaluated: 2026-02-04. Review status: criteria provided, single submitter. Criteria: Invitae Variant Classification Sherloc (09022015). Collection method: clinical testing. Allele origin: germline.

Mayo Clinic Laboratories, Mayo Clinic
Classification: Benign. Last evaluated: 2025-08-11. Review status: criteria provided, single submitter. Criteria: ACMG Guidelines, 2015. Collection method: clinical testing. Allele origin: germline. Observed: 501 variant alleles.
Comment: BA1

ARUP Laboratories, Molecular Genetics and Genomics, ARUP Laboratories
Classification: Benign. Last evaluated: 2025-07-31. Review status: criteria provided, single submitter. Criteria: ARUP Molecular Germline Variant Investigation Process 2024. Collection method: clinical testing. Allele origin: germline.

Blueprint Genetics
Classification: Likely benign. Last evaluated: 2024-11-28. Review status: criteria provided, single submitter. Criteria: ACMG Guidelines, 2015. Collection method: clinical testing. Allele origin: germline.

Genome-Nilou Lab
Classification: Benign for Cowden syndrome 7. Last evaluated: 2021-07-15. Review status: criteria provided, single submitter. Criteria: ACMG Guidelines, 2015. Collection method: clinical testing. Allele origin: germline. Affected: no.

Genome-Nilou Lab
Classification: Benign for Congenital dyserythropoietic anemia, type II. Last evaluated: 2021-07-15. Review status: criteria provided, single submitter. Criteria: ACMG Guidelines, 2015. Collection method: clinical testing. Allele origin: germline. Affected: no.

GeneDx
Classification: Benign. Last evaluated: 2018-09-30. Review status: criteria provided, single submitter. Criteria: GeneDx Variant Classification Process June 2021. Collection method: clinical testing. Allele origin: germline. Affected: yes.
Comment: This variant is associated with the following publications: (PMID: 29300242, 29031773)

Illumina Laboratory Services, Illumina
Classification: Benign for Congenital dyserythropoietic anemia, type II. Last evaluated: 2018-01-13. Review status: criteria provided, single submitter. Criteria: ICSL Variant Classification Criteria 13 December 2019. Collection method: clinical testing. Allele origin: germline.
Comment: This variant was observed in the ICSL laboratory as part of a predisposition screen in an ostensibly healthy population. It had not been previously curated by ICSL or reported in the Human Gene Mutation Database (HGMD: prior to June 1st, 2018), and was therefore a candidate for classification through an automated scoring system. Utilizing variant allele frequency, disease prevalence and penetrance estimates, and inheritance mode, an automated score was calculated to assess if this variant is too frequent to cause the disease. Based on the score and internal cut-off values, a variant classified as benign is not then subjected to further curation. The score for this variant resulted in a classification of benign for this disease.

Eurofins Ntd Llc (ga)
Classification: Benign. Last evaluated: 2012-08-09. Review status: criteria provided, single submitter. Criteria: EGL Classification Definitions 2015. Collection method: clinical testing. Allele origin: germline. Observed: 7 variant alleles, 7 heterozygotes.

Breakthrough Genomics
Classification: Benign. Review status: criteria provided, single submitter. Criteria: ACMG Guidelines, 2015. Collection method: not provided. Allele origin: germline. Inheritance: Autosomal recessive inheritance. Affected: yes.

PreventionGenetics, part of Exact Sciences
Classification: Benign. Review status: criteria provided, single submitter. Criteria: ACMG Guidelines, 2015. Collection method: clinical testing. Allele origin: germline.